The following is an entry in ClinVar:

NM_024757.5(EHMT1):c.3180+4A>G

Gene: EHMT1 (euchromatic histone lysine methyltransferase 1; plus strand). Cytogenetic location: 9q34.3.
Variant type: single nucleotide variant.
Coding change: c.3180+4A>G on transcript NM_024757.5 (MANE Select); 4 bases into the intron after coding-DNA position 3180, A replaced by G.
Molecular consequence: intron variant.
Genome position (GRCh38, 1-based): chr9:137,813,534, A>G. VCF-style: chr9-137813534-A-G. GRCh37 (hg19) VCF-style: chr9-140707986-A-G.
Other names: c.3159+4A>G (NM_001354263.2).
Identifiers: ClinVar variation 2129821 (VCV002129821.4), dbSNP rs2538663397, ClinGen allele CA2580081017.

ClinVar aggregate classification (germline): Uncertain significance (1 of 4 stars; one submission).

Conditions:
Kleefstra syndrome 1 (KLEFS1). Identifiers: Orphanet 261494, MedGen C0795833, MONDO:0027407, OMIM 610253.

Submission:

Labcorp Genetics (formerly Invitae), Labcorp
Classification: Uncertain significance for Kleefstra syndrome 1. Last evaluated: 2022-04-23. Review status: criteria provided, single submitter. Criteria: Invitae Variant Classification Sherloc (09022015). Collection method: clinical testing. Allele origin: germline.
Comment: In summary, the available evidence is currently insufficient to determine the role of this variant in disease. Therefore, it has been classified as a Variant of Uncertain Significance. Variants that disrupt the consensus splice site are a relatively common cause of aberrant splicing (PMID: 17576681, 9536098). Algorithms developed to predict the effect of sequence changes on RNA splicing suggest that this variant may create or strengthen a splice site. This variant has not been reported in the literature in individuals affected with EHMT1-related conditions. This variant is not present in population databases (gnomAD no frequency). This sequence change falls in intron 21 of the EHMT1 gene. It does not directly change the encoded amino acid sequence of the EHMT1 protein. It affects a nucleotide within the consensus splice site.

Literature cited by the submitters: PubMed 17576681; PubMed 9536098.